The following is an entry in ClinVar:

NM_000138.5(FBN1):c.165-1G>A

Gene: FBN1 (fibrillin 1; minus strand). Cytogenetic location: 15q21.1.
Variant type: single nucleotide variant.
Coding change: c.165-1G>A on transcript NM_000138.5 (MANE Select); the canonical splice acceptor site of the intron before coding-DNA position 165, G replaced by A.
Molecular consequence: splice acceptor variant.
Genome position (GRCh38, 1-based): chr15:48,613,093, C>T on the plus strand (G>A on the coding strand, the complement: FBN1 is on the minus strand). VCF-style: chr15-48613093-C-T. GRCh37 (hg19) VCF-style: chr15-48905290-C-T.
Other names: c.165-1G>A (NM_001406716.1, NM_001406717.1).
Identifiers: ClinVar variation 3759304 (VCV003759304.2).

ClinVar aggregate classification (germline): Pathogenic (1 of 4 stars; one submission).

Conditions:
Marfan syndrome (MFS). Also called: MARFAN SYNDROME, TYPE I; Marfan syndrome type 1; Marfan's syndrome; Marfan syndrome, classic; FBN1-Related Marfan Syndrome. Identifiers: Orphanet 284963, Orphanet 558, MedGen C0024796, MONDO:0007947, OMIM 154700.
Familial thoracic aortic aneurysm and aortic dissection (TAAD). Also called: Thoracic aortic aneurysms and dissections. Identifiers: Orphanet 91387, MedGen C4707243, MONDO:0019625.

Submission:

Labcorp Genetics (formerly Invitae), Labcorp
Classification: Pathogenic for Marfan syndrome; Familial thoracic aortic aneurysm and aortic dissection. Last evaluated: 2024-03-12. Review status: criteria provided, single submitter. Criteria: Invitae Variant Classification Sherloc (09022015). Collection method: clinical testing. Allele origin: germline.
Comment: This sequence change affects an acceptor splice site in intron 2 of the FBN1 gene. It is expected to disrupt RNA splicing. Variants that disrupt the donor or acceptor splice site typically lead to a loss of protein function (PMID: 16199547), and loss-of-function variants in FBN1 are known to be pathogenic (PMID: 17657824, 19293843). This variant is not present in population databases (gnomAD no frequency). Disruption of this splice site has been observed in individuals with clinical features of FBN1-related conditions (PMID: 12403246; Invitae). Algorithms developed to predict the effect of sequence changes on RNA splicing suggest that this variant may disrupt the consensus splice site. For these reasons, this variant has been classified as Pathogenic.

Literature cited by the submitters: PubMed 16199547; PubMed 17657824; PubMed 19293843; PubMed 12403246.